The following is an entry in ClinVar:

NM_020919.4(ALS2):c.1410C>T (p.Ile470=)

Gene: ALS2 (alsin Rho guanine nucleotide exchange factor ALS2; minus strand). Cytogenetic location: 2q33.1.
Variant type: single nucleotide variant.
Coding change: c.1410C>T on transcript NM_020919.4 (MANE Select); coding-DNA position 1410, C replaced by T.
Protein change: p.Ile470=; no amino-acid change (isoleucine 470 retained).
Molecular consequence: synonymous variant.
Genome position (GRCh38, 1-based): chr2:201,757,463, G>A on the plus strand (C>T on the coding strand, the complement: ALS2 is on the minus strand). VCF-style: chr2-201757463-G-A. GRCh37 (hg19) VCF-style: chr2-202622186-G-A.
Other names: c.1410C>T, p.Ile470= (NM_001410975.1).
Identifiers: ClinVar variation 3772586 (VCV003772586.13).

ClinVar aggregate classification (germline): Likely benign (1 of 4 stars; one submission).

gnomAD v4.1: 1 of 1,614,062 alleles (0.000062%); highest among the groups gnomAD compares: Non-Finnish European, 0.000085%; no homozygotes.

Submission:

CeGaT Center for Human Genetics Tuebingen
Classification: Likely benign. Last evaluated: 2025-02-01. Review status: criteria provided, single submitter. Criteria: CeGaT Center For Human Genetics Tuebingen Variant Classification Criteria Version 2. Collection method: clinical testing. Allele origin: germline. Affected: yes. Observed: 1 variant allele.
Comment: ALS2: BP4, BP7